The following is an entry in ClinVar:

NM_017871.6(INTS11):c.1608-2A>T

Gene: INTS11 (integrator complex subunit 11; minus strand). Cytogenetic location: 1p36.33.
Variant type: single nucleotide variant.
Coding change: c.1608-2A>T on transcript NM_017871.6 (MANE Select); the canonical splice acceptor site of the intron before coding-DNA position 1608, A replaced by T.
Molecular consequence: splice acceptor variant.
Genome position (GRCh38, 1-based): chr1:1,312,149, T>A on the plus strand (A>T on the coding strand, the complement: INTS11 is on the minus strand). VCF-style: chr1-1312149-T-A. GRCh37 (hg19) VCF-style: chr1-1247529-T-A.
Other names: c.1305-2A>T (NM_001256463.2); c.1521-2A>T (NM_001256460.2); c.1314-2A>T (NM_001256462.2); c.1626-2A>T (NM_001256456.2).
Identifiers: ClinVar variation 4981359 (VCV004981359.1).

ClinVar aggregate classification (germline): Uncertain significance (1 of 4 stars; one submission).

Conditions:
INTS11-related condition.

gnomAD v4.1: 101 of 1,476,290 alleles (0.0068%); highest among the groups gnomAD compares: Middle Eastern, 0.045%; no homozygotes.

Submission:

PreventionGenetics, part of Exact Sciences
Classification: Uncertain significance for INTS11-related condition. Last evaluated: 2026-03-06. Review status: criteria provided, single submitter. Criteria: ACMG Guidelines, 2015. Collection method: clinical testing. Allele origin: germline.
Comment: The INTS11 c.1626-2A>T variant is predicted to disrupt the AG splice acceptor site and interfere with normal splicing. To our knowledge, this variant has not been reported in the literature. This variant is reported in 0.084% of alleles in individuals of Ashkenazi Jewish descent in gnomAD. Although we suspect that this variant may be pathogenic, at this time, the clinical significance of this variant is uncertain due to the absence of conclusive functional and genetic evidence.